The following is an entry in ClinVar:

ClinVar aggregate classification (germline): Uncertain significance. Review status: criteria provided, multiple submitters, no conflicts (2 of 4 stars). 2 submissions from 2 submitters: Uncertain significance (2). Last evaluated 2023-07-13.

Conditions:
Long QT syndrome (LQTS). Identifiers: MedGen C0023976, MeSH D008133, MONDO:0002442. Disease mechanism: loss of function. Inheritance: Various modes of inheritance.

Allele frequency attached by ClinVar (database versions not stated): gnomAD exomes below 0.00001 and 0.00001; TOPMed 0.00001; gnomAD 0.00002.
gnomAD v4.1: 7 of 1,609,474 alleles (0.00043%); highest among the groups gnomAD compares: Non-Finnish European, 0.00059%; no homozygotes.

Submissions (2):

Labcorp Genetics (formerly Invitae), Labcorp
Classification: Uncertain significance for Long QT syndrome. Last evaluated: 2023-07-13. Review status: criteria provided, single submitter. Criteria: Invitae Variant Classification Sherloc (09022015). Collection method: clinical testing. Allele origin: germline.
Comment: This sequence change replaces arginine, which is basic and polar, with cysteine, which is neutral and slightly polar, at codon 1123 of the CACNA1C protein (p.Arg1123Cys). This variant is present in population databases (no rsID available, gnomAD 0.002%). This variant has not been reported in the literature in individuals affected with CACNA1C-related conditions. ClinVar contains an entry for this variant (Variation ID: 373491). Advanced modeling of protein sequence and biophysical properties (such as structural, functional, and spatial information, amino acid conservation, physicochemical variation, residue mobility, and thermodynamic stability) has been performed at Invitae for this missense variant, however the output from this modeling did not meet the statistical confidence thresholds required to predict the impact of this variant on CACNA1C protein function. In summary, the available evidence is currently insufficient to determine the role of this variant in disease. Therefore, it has been classified as a Variant of Uncertain Significance.

GeneDx
Classification: Uncertain significance. Last evaluated: 2016-11-22. Review status: criteria provided, single submitter. Criteria: GeneDx Variant Classification (06012015). Collection method: clinical testing. Allele origin: germline. Affected: yes.
Comment: A variant of uncertain significance has been identified in the CACNA1C gene. The R1123C variant has not been published as a pathogenic variant, nor has it been reported as a benign variant to our knowledge. The R1123C variant was not observed in approximately 6500 individuals of European and African American ancestry in the NHLBI Exome Sequencing Project, indicating it is not a common benign variant in these populations. The R1123C variant is a non-conservative amino acid substitution, which is likely to impact secondary protein structure as these residues differ in polarity, charge, size and/or other properties. This substitution occurs at a position that is conserved across species, and in silico analysis predicts this variant is probably damaging to the protein structure/function. Nevertheless, this variant has not been identified in a significant number of affected individuals, and there are no functional studies or segregation data available to clarify the role of this variant in disease.

NM_000719.7(CACNA1C):c.3367C>T (p.Arg1123Cys)

Gene: CACNA1C (calcium voltage-gated channel subunit alpha1 C; plus strand). Cytogenetic location: 12p13.33.
Variant type: single nucleotide variant.
Coding change: c.3367C>T on transcript NM_000719.7 (MANE Select); coding-DNA position 3367, C replaced by T.
Protein change: p.Arg1123Cys; replaces arginine 1123 with cysteine.
Molecular consequence: missense variant.
Genome position (GRCh38, 1-based): chr12:2,608,521, C>T. VCF-style: chr12-2608521-C-T. GRCh37 (hg19) VCF-style: chr12-2717687-C-T.
Other names: c.3367C>T, p.Arg1123Cys (NM_001129835.2, NM_001129836.2, NM_001129837.2 and 15 more transcripts); c.3358C>T, p.Arg1120Cys (NM_001129844.2); c.3427C>T, p.Arg1143Cys (NM_001129827.2, NM_001129832.2, NM_199460.4); short protein forms R1123C, R1143C, R1120C.
Identifiers: ClinVar variation 373491 (VCV000373491.4), dbSNP rs1057518445, ClinGen allele CA16042895.
Genomic context (GRCh38, chr12:2,608,521, plus strand): 5'-GGGGACCCTGCTTCTCCAGTTCCCTCTGTGGGACCTGTCTCCTCCTGCAGGCTGCTGTAC[C>T]GCTCCATCGACTCCCACACGGAAGACAAGGGCCCCATCTACAACTACCGTGTGGAGATCT-3'
Protein context (NP_000710.5, residues 1113-1133): TFEGWPELLY[Arg1123Cys]SIDSHTEDKG